The following is an entry in ClinVar:

NM_020928.2(ZSWIM6):c.2710C>T (p.Arg904Ter)

Gene: ZSWIM6 (zinc finger SWIM-type containing 6; plus strand). Cytogenetic location: 5q12.1.
Variant type: single nucleotide variant.
Coding change: c.2710C>T on transcript NM_020928.2 (MANE Select); coding-DNA position 2710, C replaced by T.
Protein change: p.Arg904Ter; replaces arginine 904 with a stop codon.
Molecular consequence: nonsense.
Genome position (GRCh38, 1-based): chr5:61,541,890, C>T. VCF-style: chr5-61541890-C-T. GRCh37 (hg19) VCF-style: chr5-60837717-C-T.
Other names: c.2710C>T (NM_020928.1); short protein forms R904*.
Identifiers: ClinVar variation 1518241 (VCV001518241.8), dbSNP rs2112294273, ClinGen allele CA359945978.
Genomic context (GRCh38, chr5:61,541,890, plus strand): 5'-TTTTCATTGACTCAGGATAATTTTCTAAAACATTTTGTTACCCTGTTTTTATAGGTTATG[C>T]GAATGACACTGTCAACCTTAAATTGGCGACGGCGGGAGATGGTGAGGTGGCTGGTAACGT-3'

ClinVar aggregate classification (germline): Conflicting classifications of pathogenicity. Review status: criteria provided, conflicting classifications (1 of 4 stars). 3 submissions from 3 submitters: Pathogenic (1); Uncertain significance (2). Last evaluated 2024-02-13.

Conditions:
Neurodevelopmental disorder with movement abnormalities, abnormal gait, and autistic features. Identifiers: MedGen C4693405, MONDO:0060642, OMIM 617865.

Submissions (3):

GeneDx
Classification: Uncertain significance. Last evaluated: 2024-02-13. Review status: criteria provided, single submitter. Criteria: GeneDx Variant Classification Process June 2021. Collection method: clinical testing. Allele origin: germline. Affected: yes.
Comment: Nonsense variant predicted to result in protein truncation or nonsense mediated decay in a gene for which loss-of-function is not a known mechanism of disease; Not observed at significant frequency in large population cohorts (gnomAD); Has not been previously published as pathogenic or benign to our knowledge

Labcorp Genetics (formerly Invitae), Labcorp
Classification: Uncertain significance. Last evaluated: 2022-02-04. Review status: criteria provided, single submitter. Criteria: Invitae Variant Classification Sherloc (09022015). Collection method: clinical testing. Allele origin: germline.
Comment: This sequence change creates a premature translational stop signal (p.Arg904*) in the ZSWIM6 gene. It is expected to result in an absent or disrupted protein product. However, the current clinical and genetic evidence is not sufficient to establish whether loss-of-function variants in ZSWIM6 cause disease. This variant is not present in population databases (gnomAD no frequency). This variant has not been reported in the literature in individuals affected with ZSWIM6-related conditions. In summary, the available evidence is currently insufficient to determine the role of this variant in disease. Therefore, it has been classified as a Variant of Uncertain Significance.

New York Genome Center
Classification: Pathogenic for Neurodevelopmental disorder with movement abnormalities, abnormal gait, and autistic features. Last evaluated: 2021-06-04. Review status: criteria provided, single submitter. Criteria: NYGC Assertion Criteria 2020. Collection method: clinical testing. Allele origin: de novo. Observed: 1 heterozygote. Study: CSER-NYCKidSeq.
Comment: The de novo nonsense variant c.2710C>T, p.Arg904Ter identified in ZSWIM6 has not been reported in the literature. This variant is not reported in the gnomADv3.1.1 database, indicating a rare allele. The variant creates a premature translational stop signal at p.Arg904Ter and is expected to result in an absent or disrupted protein product. Based on the available evidence, the de novo variant c.2710C>T, p.Arg904Ter in the ZSWIM6 gene is classified as pathogenic.